The following is an entry in ClinVar:

NM_005560.6(LAMA5):c.10978G>A (p.Ala3660Thr)

Gene: LAMA5 (laminin subunit alpha 5; minus strand). Cytogenetic location: 20q13.33.
Variant type: single nucleotide variant.
Coding change: c.10978G>A on transcript NM_005560.6 (MANE Select); coding-DNA position 10978, G replaced by A.
Protein change: p.Ala3660Thr; replaces alanine 3660 with threonine.
Molecular consequence: missense variant.
Genome position (GRCh38, 1-based): chr20:62,309,446, C>T on the plus strand (G>A on the coding strand, the complement: LAMA5 is on the minus strand). VCF-style: chr20-62309446-C-T. GRCh37 (hg19) VCF-style: chr20-60884502-C-T.
Other names: short protein forms A3660T.
Identifiers: ClinVar variation 1916477 (VCV001916477.6), dbSNP rs372010070, ClinGen allele CA9939494.
Genomic context (GRCh38, chr20:62,309,446, plus strand): 5'-AGCGAGTCATGGCGACGGGGGACCGGTTCACCGCCAGCCTCCTCATGCAGCCGCAGTAGG[C>T]GGGGGGCCAGGGCTGCACGGCCATGGGCTCTGGGGGCACAGGGAAGATGGAAGAAGGCTG-3'
Protein context (NP_005551.3, residues 3650-3670): EPMAVQPWPP[Ala3660Thr]YCGCMRRLAV

ClinVar aggregate classification (germline): Uncertain significance. Review status: criteria provided, multiple submitters, no conflicts (2 of 4 stars). 2 submissions from 2 submitters: Uncertain significance (2). Last evaluated 2025-01-06.

Conditions:
Inborn genetic diseases. Identifiers: MedGen C0950123, MeSH D030342.

Allele frequency attached by ClinVar (database versions not stated): TOPMed 0.00001; gnomAD 0.00003; ESP Exome Variant Server 0.00008; ExAC 0.00012; 1000 Genomes Project 30x 0.00031; 1000 Genomes Project 0.00040.
gnomAD v4.1: 50 of 1,571,032 alleles (0.0032%); highest among the groups gnomAD compares: Middle Eastern, 0.068%; no homozygotes.

Submissions (2):

Labcorp Genetics (formerly Invitae), Labcorp
Classification: Uncertain significance. Last evaluated: 2025-01-06. Review status: criteria provided, single submitter. Criteria: Invitae Variant Classification Sherloc (09022015). Collection method: clinical testing. Allele origin: germline.
Comment: This sequence change replaces alanine, which is neutral and non-polar, with threonine, which is neutral and polar, at codon 3660 of the LAMA5 protein (p.Ala3660Thr). This variant is present in population databases (rs372010070, gnomAD 0.01%). This variant has not been reported in the literature in individuals affected with LAMA5-related conditions. ClinVar contains an entry for this variant (Variation ID: 1916477). Invitae Evidence Modeling of protein sequence and biophysical properties (such as structural, functional, and spatial information, amino acid conservation, physicochemical variation, residue mobility, and thermodynamic stability) indicates that this missense variant is not expected to disrupt LAMA5 protein function with a negative predictive value of 80%. In summary, the available evidence is currently insufficient to determine the role of this variant in disease. Therefore, it has been classified as a Variant of Uncertain Significance.

Ambry Genetics
Classification: Uncertain significance for Inborn genetic diseases. Last evaluated: 2021-12-03. Review status: criteria provided, single submitter. Criteria: Ambry Variant Classification Scheme 2023. Collection method: clinical testing. Allele origin: germline.